The following is an entry in ClinVar:

ClinVar aggregate classification (germline): Uncertain significance. Review status: criteria provided, multiple submitters, no conflicts (2 of 4 stars). 2 submissions from 2 submitters: Uncertain significance (2). Last evaluated 2024-07-15.

Conditions:
Pitt-Hopkins-like syndrome 2 (PTHSL2). Identifiers: Orphanet 221150, Orphanet 600663, MedGen C3280479, MONDO:0013690, OMIM 614325.

Allele frequency attached by ClinVar (database versions not stated): TOPMed 0.00001.
gnomAD v4.1: 9 of 1,613,960 alleles (0.00056%); highest among the groups gnomAD compares: African/African-American, 0.0013%; no homozygotes.

Submissions (2):

Labcorp Genetics (formerly Invitae), Labcorp
Classification: Uncertain significance for Pitt-Hopkins-like syndrome 2. Last evaluated: 2024-07-15. Review status: criteria provided, single submitter. Criteria: Invitae Variant Classification Sherloc (09022015). Collection method: clinical testing. Allele origin: germline.
Comment: This sequence change replaces proline, which is neutral and non-polar, with alanine, which is neutral and non-polar, at codon 710 of the NRXN1 protein (p.Pro710Ala). This variant is present in population databases (rs762326241, gnomAD 0.004%). This variant has not been reported in the literature in individuals affected with NRXN1-related conditions. ClinVar contains an entry for this variant (Variation ID: 193837). An algorithm developed to predict the effect of missense changes on protein structure and function (PolyPhen-2) suggests that this variant is likely to be disruptive. In summary, the available evidence is currently insufficient to determine the role of this variant in disease. Therefore, it has been classified as a Variant of Uncertain Significance.

Eurofins Ntd Llc (ga)
Classification: Uncertain significance. Last evaluated: 2016-06-02. Review status: criteria provided, single submitter. Criteria: EGL Classification Definitions 2015. Collection method: clinical testing. Allele origin: germline. Observed: 2 variant alleles, 2 heterozygotes.

NM_001330078.2(NRXN1):c.2008C>G (p.Pro670Ala)

Gene: NRXN1 (neurexin 1; minus strand). Cytogenetic location: 2p16.3.
Variant type: single nucleotide variant.
Coding change: c.2008C>G on transcript NM_001330078.2 (MANE Select); coding-DNA position 2008, C replaced by G.
Protein change: p.Pro670Ala; replaces proline 670 with alanine.
Molecular consequence: missense variant.
Genome position (GRCh38, 1-based): chr2:50,538,388, G>C on the plus strand (C>G on the coding strand, the complement: NRXN1 is on the minus strand). VCF-style: chr2-50538388-G-C. GRCh37 (hg19) VCF-style: chr2-50765526-G-C.
Other names: c.2128C>G, p.Pro710Ala (NM_001135659.3); c.1984C>G, p.Pro662Ala (NM_001330077.2, NM_001330082.2, NM_001330095.2); c.1969C>G, p.Pro657Ala (NM_001330083.2, NM_001330084.2); c.2008C>G, p.Pro670Ala (NM_001330085.2, NM_001330086.2, NM_004801.6); c.1924C>G, p.Pro642Ala (NM_001330087.2, NM_001330096.2); c.1954C>G, p.Pro652Ala (NM_001330088.2); c.2005C>G, p.Pro669Ala (NM_001330093.2); c.1996C>G, p.Pro666Ala (NM_001330094.2); short protein forms P710A, P642A, P666A, P652A, P669A, P670A, P657A, P662A.
Identifiers: ClinVar variation 193837 (VCV000193837.12), dbSNP rs762326241, ClinGen allele CA239504.